The following is an entry in ClinVar:

NM_133433.4(NIPBL):c.3894C>G (p.Asp1298Glu)

Gene: NIPBL (NIPBL cohesin loading factor; plus strand). Cytogenetic location: 5p13.2.
Variant type: single nucleotide variant.
Coding change: c.3894C>G on transcript NM_133433.4 (MANE Select); coding-DNA position 3894, C replaced by G.
Protein change: p.Asp1298Glu; replaces aspartic acid 1298 with glutamic acid.
Molecular consequence: missense variant.
Genome position (GRCh38, 1-based): chr5:37,006,395, C>G. VCF-style: chr5-37006395-C-G. GRCh37 (hg19) VCF-style: chr5-37006497-C-G.
Other names: c.3894C>G, p.Asp1298Glu (NM_015384.5); short protein forms D1298E.
Identifiers: ClinVar variation 1062626 (VCV001062626.9), dbSNP rs770936588, ClinGen allele CA3236468.
Genomic context (GRCh38, chr5:37,006,395, plus strand): 5'-CATTAACAATACTGTTTTACAGAATAACGATACTGAAGAAGAAGAAAGGTTATGGAGAGA[C>G]CTTATTATGGAGAGAGTTACAAAATCAGCGGATGCTTGTCTTACAACTATCAACATTATG-3'
Protein context (NP_597677.2, residues 1288-1308): DTEEEERLWR[Asp1298Glu]LIMERVTKSA

ClinVar aggregate classification (germline): Uncertain significance (1 of 4 stars; one submission).

Conditions:
Cornelia de Lange syndrome 1 (CDLS1). Also called: Brachmann de Lange syndrome; TYPUS DEGENERATIVUS AMSTELODAMENSIS; NIPBL-Related Cornelia de Lange Syndrome. Identifiers: Orphanet 199, MedGen C4551851, MONDO:0007387, OMIM 122470.

Allele frequency attached by ClinVar (database versions not stated): gnomAD exomes 0.00001; ExAC 0.00002.

Submission:

Labcorp Genetics (formerly Invitae), Labcorp
Classification: Uncertain significance for Cornelia de Lange syndrome 1. Last evaluated: 2024-10-22. Review status: criteria provided, single submitter. Criteria: Invitae Variant Classification Sherloc (09022015). Collection method: clinical testing. Allele origin: germline.
Comment: This sequence change replaces aspartic acid, which is acidic and polar, with glutamic acid, which is acidic and polar, at codon 1298 of the NIPBL protein (p.Asp1298Glu). This variant is present in population databases (rs770936588, gnomAD 0.006%). This variant has not been reported in the literature in individuals affected with NIPBL-related conditions. ClinVar contains an entry for this variant (Variation ID: 1062626). Invitae Evidence Modeling of protein sequence and biophysical properties (such as structural, functional, and spatial information, amino acid conservation, physicochemical variation, residue mobility, and thermodynamic stability) indicates that this missense variant is not expected to disrupt NIPBL protein function with a negative predictive value of 95%. In summary, the available evidence is currently insufficient to determine the role of this variant in disease. Therefore, it has been classified as a Variant of Uncertain Significance.